The following is an entry in ClinVar:

NM_000277.3(PAH):c.770G>T (p.Gly257Val)

Gene: PAH (phenylalanine hydroxylase; minus strand). Cytogenetic location: 12q23.2.
Variant type: single nucleotide variant.
Coding change: c.770G>T on transcript NM_000277.3 (MANE Select); coding-DNA position 770, G replaced by T.
Protein change: p.Gly257Val; replaces glycine 257 with valine.
Molecular consequence: missense variant.
Genome position (GRCh38, 1-based): chr12:102,852,887, C>A on the plus strand (G>T on the coding strand, the complement: PAH is on the minus strand). VCF-style: chr12-102852887-C-A. GRCh37 (hg19) VCF-style: chr12-103246665-C-A.
Other names: NM_000277.2(PAH):c.770G>T; p.Gly257Val; c.770G>T, p.Gly257Val (NM_001354304.2); short protein forms G257V.
Identifiers: ClinVar variation 102830 (VCV000102830.9), dbSNP rs62642908, ClinGen allele CA229753.

ClinVar aggregate classification (germline): Pathogenic. Review status: reviewed by expert panel (3 of 4 stars). 6 submissions from 6 submitters: Pathogenic (1). 5 of the submissions do not count toward it. Last evaluated 2020-11-14.

Conditions:
Phenylketonuria (PKU). Also called: Phenylketonurias; OLIGOPHRENIA PHENYLPYRUVICA; FOLLING DISEASE; Phenylketonuria (PKU). Identifiers: Orphanet 716, MedGen C0031485, MONDO:0009861, OMIM 261600. Disease mechanism: loss of function.

Allele frequency attached by ClinVar (database versions not stated): gnomAD exomes below 0.00001.
gnomAD v4.1: 1 of 1,614,024 alleles (0.000062%); highest among the groups gnomAD compares: East Asian, 0.0022%; no homozygotes.

Submissions (6):

ClinGen PAH Variant Curation Expert Panel
Classification: Pathogenic for Phenylketonuria. Last evaluated: 2020-11-14. Review status: reviewed by expert panel. Criteria: ClinGen PAH ACMG Specifications v1. Collection method: curation. Allele origin: germline. Inheritance: Autosomal recessive inheritance.
Comment: The c.770G>T (p.Gly257Val) variant in PAH has been reported in multiple individuals with PAH deficiency (BH4 deficiency excluded) (PMID: 26503515). This variant is absent in population databases. This variant was detected with multiple pathogenic variants: p.R408Q, p.Ser70del (PMID: 26322415); p.R111X (PMID: 14722928); p.Arg261Gln (PMID: 17502162); c.1068C>A (p.Y356*, PMID: 25894915); p.Arg252Trp, p.Arg243Gln, p.His107Arg, p.Leu255Ser (PMID: 28982351). Computational prediction tools and conservation analysis support a deleterious effect. In summary, this variant meets criteria to be classified as pathogenic for PAH. PAH-specific ACMG/AMP criteria applied: PM3_very-strong, PM2, PP4_Moderate, PP3.

Women's Health and Genetics/Laboratory Corporation of America, LabCorp
Classification: Pathogenic for Phenylketonuria. Last evaluated: 2018-08-02. Review status: criteria provided, single submitter. Criteria: LabCorp Variant Classification Summary - May 2015. Collection method: clinical testing. Allele origin: germline. Not counted in ClinVar's aggregate classification.
Comment: Variant summary: PAH c.770G>T (p.Gly257Val) results in a non-conservative amino acid change located in the Aromatic amino acid hydroxylase, C-terminal domain (IPR019774) of the encoded protein sequence. Five of five in-silico tools predict a damaging effect of the variant on protein function. The variant was absent in 246102 control chromosomes (in gnomAD). c.770G>T has been reported in the literature in multiple individuals affected with Phenylalanine Hydroxylase Deficiency (Phenylketonuria) (e.g. Liang 2014, Li 2015, Liu 2017). These data indicate that the variant is very likely to be associated with disease. At least one publication reports experimental evidence evaluating an impact on protein function. The most pronounced variant effect results in <10% of normal activity (Liang 2014). No clinical diagnostic laboratories have submitted clinical-significance assessments for this variant to ClinVar after 2014. Based on the evidence outlined above, the variant was classified as pathogenic.

Juno Genomics, Hangzhou Juno Genomics, Inc
Classification: Pathogenic for Phenylketonuria. Review status: criteria provided, single submitter. Criteria: ACMG Guidelines, 2015. Collection method: clinical testing. Allele origin: germline. Not counted in ClinVar's aggregate classification.
Comment: Absent from controls (or at extremely low frequency if recessive) in Genome Aggregation Database.;Well-established in vitro or in vivo functional studies supportive of a damaging effect on the gene or gene product.;For recessive disorders, detected in trans with a pathogenic variant.;Patient's phenotype or family history is highly specific for a disease with a single genetic etiology.

Natera, Inc.
Classification: Pathogenic for Phenylketonuria. Last evaluated: 2021-07-08. Review status: no assertion criteria provided. Collection method: clinical testing. Allele origin: germline. Not counted in ClinVar's aggregate classification.

Counsyl
Classification: Likely pathogenic for Phenylketonuria. Last evaluated: 2017-07-25. Review status: no assertion criteria provided. Collection method: clinical testing. Allele origin: unknown. Not counted in ClinVar's aggregate classification.

DeBelle Laboratory for Biochemical Genetics, MUHC/MCH RESEARCH INSTITUTE
No classification provided. Review status: no classification provided. Collection method: not provided. Allele origin: not provided. Not counted in ClinVar's aggregate classification.

Literature cited by the submitters: PubMed 26322415 (cited by ClinGen PAH Variant Curation Expert Panel and Counsyl); PubMed 9575658 (cited by ClinGen PAH Variant Curation Expert Panel); PubMed 26503515 (cited by 3 submitters); PubMed 24401910 (cited by Women's Health and Genetics/Laboratory Corporation of America, LabCorp and Counsyl); PubMed 28982351 (cited by Women's Health and Genetics/Laboratory Corporation of America, LabCorp); PubMed 17502162 (cited by Counsyl); PubMed 14722928 (cited by Counsyl); PubMed 10527663 (cited by Counsyl); PubMed 26600521 (cited by Counsyl); PubMed 25894915 (cited by Counsyl); PubMed 16176881 (cited by Counsyl).